The following is an entry in ClinVar:

ClinVar aggregate classification (germline): Uncertain significance (1 of 4 stars; one submission).

Allele frequency attached by ClinVar (database versions not stated): gnomAD exomes 0.00001; ExAC 0.00002; gnomAD 0.00005; TOPMed 0.00006; ESP Exome Variant Server 0.00015.
gnomAD v4.1: 28 of 1,613,332 alleles (0.0017%); highest among the groups gnomAD compares: African/African-American, 0.025%; no homozygotes.

Submission:

Labcorp Genetics (formerly Invitae), Labcorp
Classification: Uncertain significance. Last evaluated: 2025-05-06. Review status: criteria provided, single submitter. Criteria: Invitae Variant Classification Sherloc (09022015). Collection method: clinical testing. Allele origin: germline.
Comment: This sequence change affects codon 215 of the RAD51 mRNA. It is a 'silent' change, meaning that it does not change the encoded amino acid sequence of the RAD51 protein. It affects a nucleotide within the consensus splice site. This variant is present in population databases (rs140361078, gnomAD 0.01%). This variant has not been reported in the literature in individuals affected with RAD51-related conditions. ClinVar contains an entry for this variant (Variation ID: 2083050). Algorithms developed to predict the effect of sequence changes on RNA splicing suggest that this variant may disrupt the consensus splice site. In summary, the available evidence is currently insufficient to determine the role of this variant in disease. Therefore, it has been classified as a Variant of Uncertain Significance.

NM_002875.5(RAD51):c.645G>A (p.Arg215=)

Gene: RAD51 (RAD51 recombinase; plus strand). Cytogenetic location: 15q15.1.
Variant type: single nucleotide variant.
Coding change: c.645G>A on transcript NM_002875.5 (MANE Select); coding-DNA position 645, G replaced by A.
Protein change: p.Arg215=; no amino-acid change (arginine 215 retained).
Molecular consequence: synonymous variant.
Genome position (GRCh38, 1-based): chr15:40,729,505, G>A. VCF-style: chr15-40729505-G-A. GRCh37 (hg19) VCF-style: chr15-41021703-G-A.
Other names: c.648G>A, p.Arg216= (NM_001164269.2, NM_133487.4); c.645G>A, p.Arg215= (NM_001164270.2).
Identifiers: ClinVar variation 2083050 (VCV002083050.4), dbSNP rs140361078, ClinGen allele CA7484083.